The following is an entry in ClinVar:

ClinVar aggregate classification (germline): Pathogenic. Review status: criteria provided, multiple submitters, no conflicts (2 of 4 stars). 2 submissions from 2 submitters: Pathogenic (2). Last evaluated 2023-06-03.

Conditions:
Mucopolysaccharidosis type 1. Also called: IDUA deficiency; MPS I; Mucopolysaccharidosis Type I. Identifiers: Orphanet 579, MedGen C0023786, MONDO:0001586.

Allele frequency attached by ClinVar (database versions not stated): gnomAD exomes below 0.00001 and 0.00001.

Submissions (2):

Labcorp Genetics (formerly Invitae), Labcorp
Classification: Pathogenic for Mucopolysaccharidosis type 1. Last evaluated: 2023-06-03. Review status: criteria provided, single submitter. Criteria: Invitae Variant Classification Sherloc (09022015). Collection method: clinical testing. Allele origin: germline.
Comment: For these reasons, this variant has been classified as Pathogenic. This sequence change creates a premature translational stop signal (p.Asn190Lysfs*4) in the IDUA gene. It is expected to result in an absent or disrupted protein product. Loss-of-function variants in IDUA are known to be pathogenic (PMID: 11735025, 21480867). This variant is present in population databases (no rsID available, gnomAD 0.0009%). This variant has not been reported in the literature in individuals affected with IDUA-related conditions. ClinVar contains an entry for this variant (Variation ID: 1323097). Algorithms developed to predict the effect of sequence changes on RNA splicing suggest that this variant may create or strengthen a splice site.

Revvity Omics, Revvity
Classification: Pathogenic. Last evaluated: 2019-11-12. Review status: criteria provided, single submitter. Criteria: ACMG Guidelines, 2015. Collection method: clinical testing. Allele origin: germline.

Literature cited by the submitters: PubMed 11735025 (cited by Labcorp Genetics (formerly Invitae), Labcorp); PubMed 21480867 (cited by Labcorp Genetics (formerly Invitae), Labcorp).

NM_000203.5(IDUA):c.570del (p.Asn190fs)

Gene: IDUA (alpha-L-iduronidase; plus strand). Cytogenetic location: 4p16.3.
Variant type: Deletion.
Coding change: c.570del on transcript NM_000203.5 (MANE Select); coding-DNA position 570, one base deleted (C; older notation c.570delC).
Protein change: p.Asn190fs; shifts the reading frame from asparagine 190.
Molecular consequence: frameshift variant. On other transcripts: non-coding transcript variant (1).
Genome position (GRCh38, 1-based): chr4:1,001,544, C deleted. VCF-style (leftmost placement, unchanged base first): chr4-1001543-AC-A. GRCh37 (hg19) VCF-style: chr4-995331-AC-A.
Other names: c.174del, p.Asn58fs (NM_001363576.1); short protein forms N190fs, N58fs.
Identifiers: ClinVar variation 1323097 (VCV001323097.7), dbSNP rs1330366594, ClinGen allele CA549153569.